The following is an entry in ClinVar:

ClinVar aggregate classification (germline): Uncertain significance. Review status: reviewed by expert panel (3 of 4 stars). 4 submissions from 4 submitters: Uncertain significance (1). 3 of the submissions do not count toward it. Last evaluated 2025-04-28.

Conditions:
Cerebral creatine deficiency syndrome. Also called: Creatine deficiency syndromes. Identifiers: Orphanet 79172, MedGen C5244016, MONDO:0000456.
Inborn genetic diseases. Identifiers: MedGen C0950123, MeSH D030342.
Deficiency of guanidinoacetate methyltransferase (CCDS2). Also called: GAMT DEFICIENCY; CEREBRAL CREATINE DEFICIENCY SYNDROME 2; Guanidinoacetate Methyltransferase (GAMT) Deficiency. Identifiers: Orphanet 382, MedGen C0574080, MONDO:0012999, OMIM 612736.

Allele frequency attached by ClinVar (database versions not stated): gnomAD 0.00003; TOPMed 0.00005.
gnomAD v4.1: 42 of 1,610,162 alleles (0.0026%); highest among the groups gnomAD compares: East Asian, 0.011%; no homozygotes.

Submissions (4):

ClinGen Cerebral Creatine Deficiency Syndromes Variant Curation Expert Panel, ClinGen
Classification: Uncertain significance for Deficiency of guanidinoacetate methyltransferase. Last evaluated: 2025-04-28. Review status: reviewed by expert panel. Criteria: ClinGen CCDS ACMG Specifications GAMT V2.0.0. Collection method: curation. Allele origin: germline. Inheritance: Autosomal recessive inheritance.
Comment: The NM_000156.6:c.623G>A variant in GAMT is a missense variant predicted to cause substitution of arginine by histidine at amino acid 208 (p.Arg208His). The highest population minor allele frequency in gnomAD v4.1.0. is 0.0001114 (5/44894 alleles) in the East Asian population. This is lower that the ClinGen CCDS VCEP's threshold for PM2_Supporting (<0.0004), therefore meeting this criterion (PM2_Supporting). The computational predictor REVEL gives a score of 0.279 which is below the threshold of 0.29, evidence that correlates with no impact to GAMT function (BP4). In addition, SpliceAI predicts that the variant will have no impact on splicing. Two additional missense variants at this amino acid position have been reported - c.622C>T (p.Arg208Cys) (ClinVarID: 5442618) and c.623G>C (p.Arg208Pro) (PMID 24415674). The ClinGen CCDS VCEP has classified p.Arg208Pro as likely pathogenic, while p.Arg208Cys has been classified as a VUS (PM5_Supporting). To our knowledge, c.623G>A (p.Arg208His) has not been previously reported in the published literature, but has been noted in ClinVar (ClinVar ID 577478). In summary, this variant meets the criteria to be classified as a variant of uncertain significance for GAMT deficiency. GAMT-specific ACMG/AMP criteria applied, as specified by the ClinGen CCDS VCEP (Specifications Version 2.0.0.: PM2_Supporting, PM5_Supporting, BP4. (Classification approved by the ClinGen CCDS VCEP on April 28, 2025).

Labcorp Genetics (formerly Invitae), Labcorp
Classification: Uncertain significance for Cerebral creatine deficiency syndrome. Last evaluated: 2022-10-17. Review status: criteria provided, single submitter. Criteria: Invitae Variant Classification Sherloc (09022015). Collection method: clinical testing. Allele origin: germline. Not counted in ClinVar's aggregate classification.
Comment: This sequence change replaces arginine, which is basic and polar, with histidine, which is basic and polar, at codon 208 of the GAMT protein (p.Arg208His). This variant is present in population databases (rs767887772, gnomAD 0.01%). This variant has not been reported in the literature in individuals affected with GAMT-related conditions. ClinVar contains an entry for this variant (Variation ID: 577478). Advanced modeling of protein sequence and biophysical properties (such as structural, functional, and spatial information, amino acid conservation, physicochemical variation, residue mobility, and thermodynamic stability) performed at Invitae indicates that this missense variant is not expected to disrupt GAMT protein function. In summary, the available evidence is currently insufficient to determine the role of this variant in disease. Therefore, it has been classified as a Variant of Uncertain Significance.

Ambry Genetics
Classification: Uncertain significance for Inborn genetic diseases. Last evaluated: 2017-12-22. Review status: criteria provided, single submitter. Criteria: Ambry Variant Classification Scheme 2023. Collection method: clinical testing. Allele origin: germline. Not counted in ClinVar's aggregate classification.
Comment: The p.R208H variant (also known as c.623G>A), located in coding exon 6 of the GAMT gene, results from a G to A substitution at nucleotide position 623. The arginine at codon 208 is replaced by histidine, an amino acid with highly similar properties. This amino acid position is poorly conserved in available vertebrate species. In addition, this alteration is predicted to be tolerated by in silico analysis. Since supporting evidence is limited at this time, the clinical significance of this alteration remains unclear.

Natera, Inc.
Classification: Uncertain significance for Guanidinoacetate methyltransferase deficiency. Last evaluated: 2019-10-28. Review status: no assertion criteria provided. Collection method: clinical testing. Allele origin: germline. Not counted in ClinVar's aggregate classification.

NM_000156.6(GAMT):c.623G>A (p.Arg208His)

Gene: GAMT (guanidinoacetate N-methyltransferase; minus strand). Cytogenetic location: 19p13.3.
Variant type: single nucleotide variant.
Coding change: c.623G>A on transcript NM_000156.6 (MANE Select); coding-DNA position 623, G replaced by A.
Protein change: p.Arg208His; replaces arginine 208 with histidine.
Molecular consequence: missense variant.
Genome position (GRCh38, 1-based): chr19:1,397,447, C>T on the plus strand (G>A on the coding strand, the complement: GAMT is on the minus strand). VCF-style: chr19-1397447-C-T. GRCh37 (hg19) VCF-style: chr19-1397446-C-T.
Other names: NM_000156.6(GAMT):c.623G>A; p.Arg208His; short protein forms R208H.
Identifiers: ClinVar variation 577478 (VCV000577478.8), dbSNP rs767887772, ClinGen allele CA9043553.